The following is an entry in ClinVar:

ClinVar aggregate classification (germline): Uncertain significance (1 of 4 stars; one submission).

Allele frequency attached by ClinVar (database versions not stated): ExAC 0.00002; gnomAD 0.00003; TOPMed 0.00003.
gnomAD v4.1: 60 of 1,614,054 alleles (0.0037%); highest among the groups gnomAD compares: Non-Finnish European, 0.0048%; no homozygotes.

Submission:

Labcorp Genetics (formerly Invitae), Labcorp
Classification: Uncertain significance. Last evaluated: 2023-09-25. Review status: criteria provided, single submitter. Criteria: Invitae Variant Classification Sherloc (09022015). Collection method: clinical testing. Allele origin: germline.
Comment: This sequence change replaces valine, which is neutral and non-polar, with methionine, which is neutral and non-polar, at codon 965 of the PRPF8 protein (p.Val965Met). This variant is present in population databases (rs763978779, gnomAD 0.006%). This variant has not been reported in the literature in individuals affected with PRPF8-related conditions. ClinVar contains an entry for this variant (Variation ID: 2067247). Advanced modeling of protein sequence and biophysical properties (such as structural, functional, and spatial information, amino acid conservation, physicochemical variation, residue mobility, and thermodynamic stability) performed at Invitae indicates that this missense variant is not expected to disrupt PRPF8 protein function. In summary, the available evidence is currently insufficient to determine the role of this variant in disease. Therefore, it has been classified as a Variant of Uncertain Significance.

NM_006445.4(PRPF8):c.2893G>A (p.Val965Met)

Gene: PRPF8 (pre-mRNA processing factor 8; minus strand). Cytogenetic location: 17p13.3.
Variant type: single nucleotide variant.
Coding change: c.2893G>A on transcript NM_006445.4 (MANE Select); coding-DNA position 2893, G replaced by A.
Protein change: p.Val965Met; replaces valine 965 with methionine.
Molecular consequence: missense variant.
Genome position (GRCh38, 1-based): chr17:1,675,319, C>T on the plus strand (G>A on the coding strand, the complement: PRPF8 is on the minus strand). VCF-style: chr17-1675319-C-T. GRCh37 (hg19) VCF-style: chr17-1578613-C-T.
Other names: short protein forms V965M.
Identifiers: ClinVar variation 2067247 (VCV002067247.4), dbSNP rs763978779, ClinGen allele CA8272017.